The following is an entry in ClinVar:

NM_001844.5(COL2A1):c.3659T>G (p.Met1220Arg)

Gene: COL2A1 (collagen type II alpha 1 chain; minus strand). Cytogenetic location: 12q13.11.
Variant type: single nucleotide variant.
Coding change: c.3659T>G on transcript NM_001844.5 (MANE Select); coding-DNA position 3659, T replaced by G.
Protein change: p.Met1220Arg; replaces methionine 1220 with arginine.
Molecular consequence: missense variant.
Genome position (GRCh38, 1-based): chr12:47,975,544, A>C on the plus strand (T>G on the coding strand, the complement: COL2A1 is on the minus strand). VCF-style: chr12-47975544-A-C. GRCh37 (hg19) VCF-style: chr12-48369327-A-C.
Other names: c.3452T>G, p.Met1151Arg (NM_033150.3); short protein forms M1151R, M1220R.
Identifiers: ClinVar variation 1477660 (VCV001477660.8), dbSNP rs886049445, ClinGen allele CA384537012.
Genomic context (GRCh38, chr12:47,975,544, plus strand): 5'-CGCATGTACTGCAGGGGGTCGGGGCCCTTCTCTCTCGGGCCTAAGCCAGCAAAGGCGGAC[A>C]TGTCGATGCCAGGGCCAGGGGGACCTGGAGGACCAGGGGGTCCAGGATTTCCAGGAGGAC-3'
Protein context (NP_001835.3, residues 1210-1230): PPGPPGPGID[Met1220Arg]SAFAGLGPRE

ClinVar aggregate classification (germline): Uncertain significance (1 of 4 stars; one submission).

Submission:

Labcorp Genetics (formerly Invitae), Labcorp
Classification: Uncertain significance. Last evaluated: 2021-04-25. Review status: criteria provided, single submitter. Criteria: Invitae Variant Classification Sherloc (09022015). Collection method: clinical testing. Allele origin: germline.
Comment: This variant has not been reported in the literature in individuals with COL2A1-related conditions. This variant is not present in population databases (ExAC no frequency). This sequence change replaces methionine with arginine at codon 1220 of the COL2A1 protein (p.Met1220Arg). The methionine residue is highly conserved and there is a moderate physicochemical difference between methionine and arginine. Advanced modeling of protein sequence and biophysical properties (such as structural, functional, and spatial information, amino acid conservation, physicochemical variation, residue mobility, and thermodynamic stability) performed at Invitae indicates that this missense variant is not expected to disrupt COL2A1 protein function. In summary, the available evidence is currently insufficient to determine the role of this variant in disease. Therefore, it has been classified as a Variant of Uncertain Significance. Algorithms developed to predict the effect of sequence changes on RNA splicing suggest that this variant may create or strengthen a splice site, but this prediction has not been confirmed by published transcriptional studies.